The following is an entry in ClinVar:

ClinVar aggregate classification (germline): Uncertain significance (1 of 4 stars; one submission).

Allele frequency attached by ClinVar (database versions not stated): gnomAD exomes 0.00001.
gnomAD v4.1: 9 of 1,613,788 alleles (0.00056%); highest among the groups gnomAD compares: Non-Finnish European, 0.00076%; no homozygotes.

Submission:

Women's Health and Genetics/Laboratory Corporation of America, LabCorp
Classification: Uncertain significance. Last evaluated: 2024-04-24. Review status: criteria provided, single submitter. Criteria: LabCorp Variant Classification Summary - May 2015. Collection method: clinical testing. Allele origin: germline.
Comment: Variant summary: SCN2A c.1403C>G (p.Ser468Cys) results in a non-conservative amino acid change in the encoded protein sequence. Three of five in-silico tools predict a damaging effect of the variant on protein function. The variant allele was found at a frequency of 6.2e-06 in 1455764 control chromosomes (i.e. in 9 carriers, in gnomAD v4.1). The occurrence in multiple carriers might suggest that this variant is likely not associated with a high penetrance, severe, early onset disease phenotypes in heterozygous state. To our knowledge, no occurrence of c.1403C>G in individuals affected with Early Infantile Epileptic Encephalopathy 11 and no experimental evidence demonstrating its impact on protein function have been reported. No submitters have cited clinical-significance assessments for this variant to ClinVar. Based on the evidence outlined above, the variant was classified as uncertain significance.

NM_001040142.2(SCN2A):c.1403C>G (p.Ser468Cys)

Gene: SCN2A (sodium voltage-gated channel alpha subunit 2; plus strand). Cytogenetic location: 2q24.3.
Variant type: single nucleotide variant.
Coding change: c.1403C>G on transcript NM_001040142.2 (MANE Select); coding-DNA position 1403, C replaced by G.
Protein change: p.Ser468Cys; replaces serine 468 with cysteine.
Molecular consequence: missense variant.
Genome position (GRCh38, 1-based): chr2:165,315,490, C>G. VCF-style: chr2-165315490-C-G. GRCh37 (hg19) VCF-style: chr2-166172000-C-G.
Other names: c.1403C>G, p.Ser468Cys (NM_001040143.2, NM_001371246.1, NM_001371247.1 and 1 more transcripts); short protein forms S468C.
Identifiers: ClinVar variation 3251712 (VCV003251712.1), dbSNP rs1697690842.